The following is an entry in ClinVar:

ClinVar aggregate classification (germline): Uncertain significance (1 of 4 stars; one submission).

Conditions:
Werner syndrome (WRN). Identifiers: Orphanet 902, MedGen C0043119, MONDO:0010196, OMIM 277700.

Allele frequency attached by ClinVar (database versions not stated): TOPMed below 0.00001; gnomAD exomes 0.00001.
gnomAD v4.1: 17 of 1,613,940 alleles (0.0011%); highest among the groups gnomAD compares: Non-Finnish European, 0.0014%; no homozygotes.

Submission:

Labcorp Genetics (formerly Invitae), Labcorp
Classification: Uncertain significance for Werner syndrome. Last evaluated: 2022-10-18. Review status: criteria provided, single submitter. Criteria: Invitae Variant Classification Sherloc (09022015). Collection method: clinical testing. Allele origin: germline.
Comment: This sequence change replaces serine with glycine at codon 312 of the WRN protein (p.Ser312Gly). The serine residue is weakly conserved and there is a small physicochemical difference between serine and glycine. This variant is not present in population databases (gnomAD no frequency). This variant has not been reported in the literature in individuals affected with WRN-related conditions. ClinVar contains an entry for this variant (Variation ID: 959734). Algorithms developed to predict the effect of missense changes on protein structure and function output the following: SIFT: "Not Available"; PolyPhen-2: "Benign"; Align-GVGD: "Not Available". The glycine amino acid residue is found in multiple mammalian species, which suggests that this missense change does not adversely affect protein function. In summary, the available evidence is currently insufficient to determine the role of this variant in disease. Therefore, it has been classified as a Variant of Uncertain Significance.

NM_000553.6(WRN):c.934A>G (p.Ser312Gly)

Gene: WRN (WRN RecQ like helicase; plus strand). Cytogenetic location: 8p12.
Variant type: single nucleotide variant.
Coding change: c.934A>G on transcript NM_000553.6 (MANE Select); coding-DNA position 934, A replaced by G.
Protein change: p.Ser312Gly; replaces serine 312 with glycine.
Molecular consequence: missense variant.
Genome position (GRCh38, 1-based): chr8:31,080,961, A>G. VCF-style: chr8-31080961-A-G. GRCh37 (hg19) VCF-style: chr8-30938477-A-G.
Other names: short protein forms S312G.
Identifiers: ClinVar variation 959734 (VCV000959734.4), dbSNP rs1813279974, ClinGen allele CA370919946.